The following is an entry in ClinVar:

ClinVar aggregate classification (germline): Pathogenic (1 of 4 stars; one submission).

Submission:

GeneDx
Classification: Pathogenic. Last evaluated: 2025-01-21. Review status: criteria provided, single submitter. Criteria: GeneDx Variant Classification Process June 2021. Collection method: clinical testing. Allele origin: germline. Affected: yes.
Comment: In-frame deletion of 2 amino acids in a non-repeat region; Not observed in large population cohorts (gnomAD); Has not been previously published as pathogenic or benign to our knowledge; This variant is associated with the following publications: (PMID: 22315494, 20619386)

NM_005188.4(CBL):c.1103_1108del (p.Tyr368_Glu369del)

Gene: CBL (Cbl proto-oncogene; plus strand). Cytogenetic location: 11q23.3.
Variant type: Deletion.
Coding change: c.1103_1108del on transcript NM_005188.4 (MANE Select); coding-DNA positions 1103 to 1108, 6 bases deleted (ATGAAT; older notation c.1103_1108delATGAAT).
Protein change: p.Tyr368_Glu369del.
Molecular consequence: inframe deletion.
Genome position (GRCh38, 1-based): chr11:119,278,173-119,278,178, ATGAAT deleted; deleting any 6 consecutive bases within chr11:119,278,170-119,278,178 gives the same sequence; the c. name uses the placement nearest the transcript's 3' end. VCF-style (leftmost placement, unchanged base first): chr11-119278169-CAATATG-C. GRCh37 (hg19) VCF-style: chr11-119148879-CAATATG-C.
Identifiers: ClinVar variation 1712083 (VCV001712083.3), dbSNP rs2496939266, ClinGen allele CA2580083685.